The following is an entry in ClinVar:

ClinVar aggregate classification (germline): Uncertain significance (1 of 4 stars; one submission).

Conditions:
Inborn genetic diseases. Identifiers: MedGen C0950123, MeSH D030342.

gnomAD v4.1: 1 of 1,614,162 alleles (0.000062%); highest among the groups gnomAD compares: Non-Finnish European, 0.000085%; no homozygotes.

Submission:

Ambry Genetics
Classification: Uncertain significance for Inborn genetic diseases. Last evaluated: 2026-06-16. Review status: criteria provided, single submitter. Criteria: Ambry Variant Classification Scheme 2023. Collection method: clinical testing. Allele origin: germline.
Comment: The p.P1259S variant (also known as c.3775C>T), located in coding exon 13 of the ASXL1 gene, results from a C to T substitution at nucleotide position 3775. The proline at codon 1259 is replaced by serine, an amino acid with similar properties. This amino acid position is conserved. In addition, this alteration is predicted to be tolerated by in silico analysis. Based on the available evidence, the clinical significance of this variant remains unclear.

NM_015338.6(ASXL1):c.3775C>T (p.Pro1259Ser)

Gene: ASXL1 (ASXL transcriptional regulator 1; plus strand). Cytogenetic location: 20q11.21.
Variant type: single nucleotide variant.
Coding change: c.3775C>T on transcript NM_015338.6 (MANE Select); coding-DNA position 3775, C replaced by T.
Protein change: p.Pro1259Ser; replaces proline 1259 with serine.
Molecular consequence: missense variant.
Genome position (GRCh38, 1-based): chr20:32,436,487, C>T. VCF-style: chr20-32436487-C-T. GRCh37 (hg19) VCF-style: chr20-31024290-C-T.
Other names: c.3592C>T, p.Pro1198Ser (NM_001363734.1); short protein forms P1259S, P1198S.
Identifiers: ClinVar variation 5029687 (VCV005029687.1).